The following is an entry in ClinVar:

NM_000158.4(GBE1):c.841A>T (p.Ile281Phe)

Gene: GBE1 (1,4-alpha-glucan branching enzyme 1; minus strand). Cytogenetic location: 3p12.2.
Variant type: single nucleotide variant.
Coding change: c.841A>T on transcript NM_000158.4 (MANE Select); coding-DNA position 841, A replaced by T.
Protein change: p.Ile281Phe; replaces isoleucine 281 with phenylalanine.
Molecular consequence: missense variant.
Genome position (GRCh38, 1-based): chr3:81,642,932, T>A on the plus strand (A>T on the coding strand, the complement: GBE1 is on the minus strand). VCF-style: chr3-81642932-T-A. GRCh37 (hg19) VCF-style: chr3-81692083-T-A.
Other names: short protein forms I281F.
Identifiers: ClinVar variation 1525840 (VCV001525840.6), dbSNP rs2107059729, ClinGen allele CA353687465.

ClinVar aggregate classification (germline): Uncertain significance (1 of 4 stars; one submission).

Conditions:
Glycogen storage disease, type IV (GSD4). Also called: Glycogen storage disease due to glycogen branching enzyme deficiency; AMYLOPECTINOSIS; ANDERSEN DISEASE; BRANCHER DEFICIENCY; CIRRHOSIS, FAMILIAL, WITH DEPOSITION OF ABNORMAL GLYCOGEN; GBE1 DEFICIENCY. Identifiers: Orphanet 367, MedGen C0017923, MONDO:0009292, OMIM 232500.
Glycogen storage disease IV, classic hepatic. Also called: GSD IV, CLASSIC HEPATIC. Identifiers: MedGen C1856301.

Submission:

Labcorp Genetics (formerly Invitae), Labcorp
Classification: Uncertain significance for Glycogen storage disease, type IV; Glycogen storage disease IV, classic hepatic. Last evaluated: 2024-12-02. Review status: criteria provided, single submitter. Criteria: Invitae Variant Classification Sherloc (09022015). Collection method: clinical testing. Allele origin: germline.
Comment: This sequence change replaces isoleucine with phenylalanine at codon 281 of the GBE1 protein (p.Ile281Phe). The isoleucine residue is highly conserved and there is a small physicochemical difference between isoleucine and phenylalanine. This variant is not present in population databases (gnomAD no frequency). This variant has not been reported in the literature in individuals affected with GBE1-related conditions. ClinVar contains an entry for this variant (Variation ID: 1525840). Invitae Evidence Modeling of protein sequence and biophysical properties (such as structural, functional, and spatial information, amino acid conservation, physicochemical variation, residue mobility, and thermodynamic stability) has been performed for this missense variant. However, the output from this modeling did not meet the statistical confidence thresholds required to predict the impact of this variant on GBE1 protein function. In summary, the available evidence is currently insufficient to determine the role of this variant in disease. Therefore, it has been classified as a Variant of Uncertain Significance.